The following is an entry in ClinVar:

NM_001009925.2(TMEM230):c.120G>A (p.Lys40=)

Gene: TMEM230 (transmembrane protein 230; minus strand). Cytogenetic location: 20p12.3.
Variant type: single nucleotide variant.
Coding change: c.120G>A on transcript NM_001009925.2 (MANE Select); coding-DNA position 120, G replaced by A.
Protein change: p.Lys40=; no amino-acid change (lysine 40 retained).
Molecular consequence: synonymous variant.
Genome position (GRCh38, 1-based): chr20:5,106,290, C>T on the plus strand (G>A on the coding strand, the complement: TMEM230 is on the minus strand). VCF-style: chr20-5106290-C-T. GRCh37 (hg19) VCF-style: chr20-5086936-C-T.
Other names: NM_001009923.1:c.309G>A; c.120G>A, p.Lys40= (NM_001009924.2, NM_001330984.2, NM_001330985.2 and 4 more transcripts).
Identifiers: ClinVar variation 2185645 (VCV002185645.5), dbSNP rs763383477, ClinGen allele CA9753423.
Genomic context (GRCh38, chr20:5,106,290, plus strand): 5'-AATGAGAAAGGCGCCAATCAAAAACAGCACAGTGGCAAGTGCGATGGCCTTATAAGGGAT[C>T]TTAGGAGGGGTTTTCTTAAACTGGAAGAGAAATAGAGATGAAAAAGACAACGAAGAACAT-3'
Protein context (NP_001009925.1, residues 30-50): IDLQFKKTPP[Lys40=]IPYKAIALAT

ClinVar aggregate classification (germline): Likely benign. Review status: criteria provided, multiple submitters, no conflicts (2 of 4 stars). 2 submissions from 2 submitters: Likely benign (2). Last evaluated 2026-01-26.

Conditions:
TMEM230-related disorder. Also called: TMEM230-related condition.

Allele frequency attached by ClinVar (database versions not stated): ExAC 0.00001; gnomAD 0.00004; TOPMed 0.00005.
gnomAD v4.1: 68 of 1,608,166 alleles (0.0042%); highest among the groups gnomAD compares: Middle Eastern, 0.017%; no homozygotes.

Submissions (2):

Labcorp Genetics (formerly Invitae), Labcorp
Classification: Likely benign. Last evaluated: 2026-01-26. Review status: criteria provided, single submitter. Criteria: Invitae Variant Classification Sherloc (09022015). Collection method: clinical testing. Allele origin: germline.

PreventionGenetics, part of Exact Sciences
Classification: Likely benign for TMEM230-related condition. Last evaluated: 2025-01-16. Review status: criteria provided, single submitter. Criteria: ACMG Guidelines, 2015. Collection method: clinical testing. Allele origin: germline.
Comment: This variant is classified as likely benign based on ACMG/AMP sequence variant interpretation guidelines (Richards et al. 2015 PMID: 25741868, with internal and published modifications).